The following is an entry in ClinVar:

NM_002691.4(POLD1):c.776A>G (p.Asp259Gly)

Gene: POLD1 (DNA polymerase delta 1, catalytic subunit; plus strand). Cytogenetic location: 19q13.33.
Variant type: single nucleotide variant.
Coding change: c.776A>G on transcript NM_002691.4 (MANE Select); coding-DNA position 776, A replaced by G.
Protein change: p.Asp259Gly; replaces aspartic acid 259 with glycine.
Molecular consequence: missense variant. On other transcripts: non-coding transcript variant (1).
Genome position (GRCh38, 1-based): chr19:50,402,471, A>G. VCF-style: chr19-50402471-A-G. GRCh37 (hg19) VCF-style: chr19-50905728-A-G.
Other names: c.776A>G, p.Asp259Gly (NM_001256849.1, NM_001308632.1); short protein forms D259G.
Identifiers: ClinVar variation 3222749 (VCV003222749.1), dbSNP rs2513966025, ClinGen allele CA406974838.
Genomic context (GRCh38, chr19:50,402,471, plus strand): 5'-ACCCTCGGGCAGCCCCTGTCCACTGACCCCCAGCCCCCTCCAGGTTCATGGTGGACACGG[A>G]CATCGTCGGCTGCAACTGGCTGGAGCTCCCAGCTGGGAAATACGCCCTGAGGCTGAAGGA-3'
Protein context (NP_002682.2, residues 249-269): DFEIRFMVDT[Asp259Gly]IVGCNWLELP

ClinVar aggregate classification (germline): Uncertain significance (1 of 4 stars; one submission).

Conditions:
Hereditary cancer-predisposing syndrome. Also called: Tumor predisposition; Hereditary neoplastic syndrome; Hereditary Cancer Syndrome; Neoplastic Syndromes, Hereditary. Identifiers: Orphanet 140162, MedGen C0027672, MeSH D009386, MONDO:0015356.

Submission:

Ambry Genetics
Classification: Uncertain significance for Hereditary cancer-predisposing syndrome. Last evaluated: 2023-12-25. Review status: criteria provided, single submitter. Criteria: Ambry Variant Classification Scheme 2023. Collection method: clinical testing. Allele origin: germline.
Comment: The p.D259G variant (also known as c.776A>G), located in coding exon 6 of the POLD1 gene, results from an A to G substitution at nucleotide position 776. The aspartic acid at codon 259 is replaced by glycine, an amino acid with similar properties. This amino acid position is conserved. In addition, this alteration is predicted to be tolerated by in silico analysis. Since supporting evidence is limited at this time, the clinical significance of this alteration remains unclear.